The following is an entry in ClinVar:

NM_004064.5(CDKN1B):c.239A>G (p.Glu80Gly)

Gene: CDKN1B (cyclin dependent kinase inhibitor 1B; plus strand). Cytogenetic location: 12p13.1.
Variant type: single nucleotide variant.
Coding change: c.239A>G on transcript NM_004064.5 (MANE Select); coding-DNA position 239, A replaced by G.
Protein change: p.Glu80Gly; replaces glutamic acid 80 with glycine.
Molecular consequence: missense variant.
Genome position (GRCh38, 1-based): chr12:12,718,078, A>G. VCF-style: chr12-12718078-A-G. GRCh37 (hg19) VCF-style: chr12-12871012-A-G.
Other names: short protein forms E80G.
Identifiers: ClinVar variation 1038713 (VCV001038713.12), dbSNP rs1253732337, ClinGen allele CA383969739.

ClinVar aggregate classification (germline): Uncertain significance. Review status: criteria provided, multiple submitters, no conflicts (2 of 4 stars). 2 submissions from 2 submitters: Uncertain significance (2). Last evaluated 2024-12-20.

Conditions:
Hereditary cancer-predisposing syndrome. Also called: Neoplastic Syndromes, Hereditary; Hereditary Cancer Syndrome; Tumor predisposition; Hereditary neoplastic syndrome. Identifiers: Orphanet 140162, MedGen C0027672, MeSH D009386, MONDO:0015356.
Multiple endocrine neoplasia type 4. Also called: MULTIPLE ENDOCRINE NEOPLASIA, TYPE IV. Identifiers: Orphanet 276152, MedGen C1970712, MONDO:0012552, OMIM 610755.

Allele frequency attached by ClinVar (database versions not stated): gnomAD exomes below 0.00001.

Submissions (2):

Ambry Genetics
Classification: Uncertain significance for Hereditary cancer-predisposing syndrome. Last evaluated: 2024-12-20. Review status: criteria provided, single submitter. Criteria: Ambry Variant Classification Scheme 2023. Collection method: clinical testing. Allele origin: germline.
Comment: The p.E80G variant (also known as c.239A>G), located in coding exon 1 of the CDKN1B gene, results from an A to G substitution at nucleotide position 239. The glutamic acid at codon 80 is replaced by glycine, an amino acid with similar properties. This amino acid position is conserved. In addition, the in silico prediction for this alteration is inconclusive. Since supporting evidence is limited at this time, the clinical significance of this alteration remains unclear.

Labcorp Genetics (formerly Invitae), Labcorp
Classification: Uncertain significance for Multiple endocrine neoplasia type 4. Last evaluated: 2023-08-23. Review status: criteria provided, single submitter. Criteria: Invitae Variant Classification Sherloc (09022015). Collection method: clinical testing. Allele origin: germline.
Comment: In summary, the available evidence is currently insufficient to determine the role of this variant in disease. Therefore, it has been classified as a Variant of Uncertain Significance. This sequence change replaces glutamic acid, which is acidic and polar, with glycine, which is neutral and non-polar, at codon 80 of the CDKN1B protein (p.Glu80Gly). This variant is present in population databases (no rsID available, gnomAD 0.0009%). This variant has not been reported in the literature in individuals affected with CDKN1B-related conditions. ClinVar contains an entry for this variant (Variation ID: 1038713). An algorithm developed to predict the effect of missense changes on protein structure and function (PolyPhen-2) suggests that this variant is likely to be tolerated.